The following is an entry in ClinVar:

ClinVar aggregate classification (germline): Conflicting classifications of pathogenicity. Review status: criteria provided, conflicting classifications (1 of 4 stars). 2 submissions from 2 submitters: Uncertain significance (1); Likely benign (1). Last evaluated 2023-03-23.

Conditions:
Hereditary breast ovarian cancer syndrome. Also called: BRCA1- and BRCA2-Associated Hereditary Breast and Ovarian Cancer; Hereditary breast and ovarian cancer syndrome (HBOC); Hereditary breast and/or ovarian cancer syndrome; Hereditary breast and ovarian cancer; Breast and ovarian cancer; Hereditary breast and ovarian cancer syndrome. Identifiers: Orphanet 145, MedGen C0677776, MeSH D061325, MONDO:0003582. Disease mechanism: loss of function.
Hereditary cancer-predisposing syndrome. Also called: Hereditary neoplastic syndrome; Hereditary Cancer Syndrome; Tumor predisposition; Neoplastic Syndromes, Hereditary. Identifiers: Orphanet 140162, MedGen C0027672, MeSH D009386, MONDO:0015356.

Submissions (2):

University of Washington Department of Laboratory Medicine, University of Washington
Classification: Likely benign for Hereditary cancer-predisposing syndrome. Last evaluated: 2023-03-23. Review status: criteria provided, single submitter. Criteria: Dines et al. (Genet Med. 2020). Collection method: curation. Allele origin: germline.
Comment: Missense variant in a coldspot region where missense variants are very unlikely to be pathogenic (PMID:31911673).

BRCA2 exon 11 coldspot. Reclassification based on statistical prior probability.

Labcorp Genetics (formerly Invitae), Labcorp
Classification: Uncertain significance for Hereditary breast ovarian cancer syndrome. Last evaluated: 2023-01-02. Review status: criteria provided, single submitter. Criteria: Invitae Variant Classification Sherloc (09022015). Collection method: clinical testing. Allele origin: germline.
Comment: In summary, the available evidence is currently insufficient to determine the role of this variant in disease. Therefore, it has been classified as a Variant of Uncertain Significance. Advanced modeling of protein sequence and biophysical properties (such as structural, functional, and spatial information, amino acid conservation, physicochemical variation, residue mobility, and thermodynamic stability) performed at Invitae indicates that this missense variant is not expected to disrupt BRCA2 protein function. This variant has not been reported in the literature in individuals affected with BRCA2-related conditions. This variant is not present in population databases (gnomAD no frequency). This sequence change replaces threonine, which is neutral and polar, with isoleucine, which is neutral and non-polar, at codon 1499 of the BRCA2 protein (p.Thr1499Ile).

NM_000059.4(BRCA2):c.4496C>T (p.Thr1499Ile)

Gene: BRCA2 (BRCA2 DNA repair associated; plus strand). Cytogenetic location: 13q13.1.
Variant type: single nucleotide variant.
Coding change: c.4496C>T on transcript NM_000059.4 (MANE Select); coding-DNA position 4496, C replaced by T.
Protein change: p.Thr1499Ile; replaces threonine 1499 with isoleucine.
Molecular consequence: missense variant.
Genome position (GRCh38, 1-based): chr13:32,338,851, C>T. VCF-style: chr13-32338851-C-T. GRCh37 (hg19) VCF-style: chr13-32912988-C-T.
Other names: c.4496C>T, p.Thr1499Ile (NM_001406719.1, NM_001406720.1); short protein forms T1499I.
Identifiers: ClinVar variation 2002176 (VCV002002176.6), dbSNP rs2137506990, ClinGen allele CA387781569.
Genomic context (GRCh38, chr13:32,338,851, plus strand): 5'-GTTATGAGGAAACAGACATAGTTAAACACAAAATACTGAAAGAAAGTGTCCCAGTTGGTA[C>T]TGGAAATCAACTAGTGACCTTCCAGGGACAACCCGAACGTGATGAAAAGATCAAAGAACC-3'
Protein context (NP_000050.3, residues 1489-1509): KILKESVPVG[Thr1499Ile]GNQLVTFQGQ